The following is an entry in ClinVar:

NM_001253697.2(ERBIN):c.2033C>T (p.Thr678Ile)

Gene: ERBIN (erbb2 interacting protein; plus strand). Cytogenetic location: 5q12.3.
Variant type: single nucleotide variant.
Coding change: c.2033C>T on transcript NM_001253697.2 (MANE Select); coding-DNA position 2033, C replaced by T.
Protein change: p.Thr678Ile; replaces threonine 678 with isoleucine.
Molecular consequence: missense variant.
Genome position (GRCh38, 1-based): chr5:66,050,912, C>T. VCF-style: chr5-66050912-C-T. GRCh37 (hg19) VCF-style: chr5-65346740-C-T.
Other names: c.2033C>T, p.Thr678Ile (NM_001006600.3, NM_001253698.2, NM_001253699.2 and 1 more transcripts); c.2021C>T, p.Thr674Ile (NM_001253701.2); short protein forms T678I, T674I.
Identifiers: ClinVar variation 1366413 (VCV001366413.8), dbSNP rs755606456, ClinGen allele CA3286407.

ClinVar aggregate classification (germline): Uncertain significance (1 of 4 stars; one submission).

Allele frequency attached by ClinVar (database versions not stated): ExAC 0.00002; gnomAD exomes 0.00002 and 0.00007; TOPMed 0.00002; gnomAD 0.00003.
gnomAD v4.1: 108 of 1,605,852 alleles (0.0067%); highest among the groups gnomAD compares: Non-Finnish European, 0.0088%; no homozygotes.

Submission:

Labcorp Genetics (formerly Invitae), Labcorp
Classification: Uncertain significance. Last evaluated: 2025-03-25. Review status: criteria provided, single submitter. Criteria: Invitae Variant Classification Sherloc (09022015). Collection method: clinical testing. Allele origin: germline.
Comment: This sequence change replaces threonine, which is neutral and polar, with isoleucine, which is neutral and non-polar, at codon 678 of the ERBIN protein (p.Thr678Ile). This variant is present in population databases (rs755606456, gnomAD 0.006%). This variant has not been reported in the literature in individuals affected with ERBIN-related conditions. ClinVar contains an entry for this variant (Variation ID: 1366413). An algorithm developed to predict the effect of missense changes on protein structure and function outputs the following: PolyPhen-2: "Benign". The isoleucine amino acid residue is found in multiple mammalian species, which suggests that this missense change does not adversely affect protein function. In summary, the available evidence is currently insufficient to determine the role of this variant in disease. Therefore, it has been classified as a Variant of Uncertain Significance.